The following is an entry in ClinVar:

NM_001854.4(COL11A1):c.785C>T (p.Ala262Val)

Gene: COL11A1 (collagen type XI alpha 1 chain; minus strand). Cytogenetic location: 1p21.1.
Variant type: single nucleotide variant.
Coding change: c.785C>T on transcript NM_001854.4 (MANE Select); coding-DNA position 785, C replaced by T.
Protein change: p.Ala262Val; replaces alanine 262 with valine.
Molecular consequence: missense variant. On other transcripts: non-coding transcript variant (1), intron variant (2).
Genome position (GRCh38, 1-based): chr1:103,026,328, G>A on the plus strand (C>T on the coding strand, the complement: COL11A1 is on the minus strand). VCF-style: chr1-103026328-G-A. GRCh37 (hg19) VCF-style: chr1-103491884-G-A.
Other names: c.785C>T, p.Ala262Val (NM_080630.4); c.781-715C>T (NM_001190709.2); c.781-376C>T (NM_080629.3); short protein forms A262V.
Identifiers: ClinVar variation 3621456 (VCV003621456.2).
Genomic context (GRCh38, chr1:103,026,328, plus strand): 5'-TCAGCCTCTTTATACTCTGCTTCCCCATACTCATAGTCATATTCGATTATATCCTCTGGT[G>A]CATACTACATTGCAAAGGAAAAAATATCAGGCAATTGTGTTAGTGGCAAAATACTATTCA-3'
Protein context (NP_001845.3, residues 252-272): QAQEPQIDEY[Ala262Val]PEDIIEYDYE

ClinVar aggregate classification (germline): Uncertain significance (1 of 4 stars; one submission).

gnomAD v4.1: 1 of 1,604,224 alleles (0.000062%); highest among the groups gnomAD compares: South Asian, 0.0011%; no homozygotes.

Submission:

Labcorp Genetics (formerly Invitae), Labcorp
Classification: Uncertain significance. Last evaluated: 2024-06-26. Review status: criteria provided, single submitter. Criteria: Invitae Variant Classification Sherloc (09022015). Collection method: clinical testing. Allele origin: germline.
Comment: This sequence change replaces alanine, which is neutral and non-polar, with valine, which is neutral and non-polar, at codon 262 of the COL11A1 protein (p.Ala262Val). This variant is not present in population databases (gnomAD no frequency). This variant has not been reported in the literature in individuals affected with COL11A1-related conditions. Advanced modeling of protein sequence and biophysical properties (such as structural, functional, and spatial information, amino acid conservation, physicochemical variation, residue mobility, and thermodynamic stability) performed at Invitae indicates that this missense variant is not expected to disrupt COL11A1 protein function with a negative predictive value of 95%. In summary, the available evidence is currently insufficient to determine the role of this variant in disease. Therefore, it has been classified as a Variant of Uncertain Significance.